The following is an entry in ClinVar:

ClinVar aggregate classification (germline): Pathogenic (3 of 4 stars; one submission).

Conditions:
Breast-ovarian cancer, familial, susceptibility to, 1 (BROVCA1). Also called: BRCA1 Hereditary Breast and Ovarian Cancer; OVARIAN CANCER, SUSCEPTIBILITY TO. Identifiers: Orphanet 145, MedGen C2676676, MONDO:0011450, OMIM 604370. Disease mechanism: loss of function.

Submission:

Evidence-based Network for the Interpretation of Germline Mutant Alleles (ENIGMA)
Classification: Pathogenic for Breast-ovarian cancer, familial, susceptibility to, 1. Last evaluated: 2017-12-15. Review status: reviewed by expert panel. Criteria: ENIGMA BRCA1/2 Classification Criteria (2017-06-29). Collection method: curation. Allele origin: germline. Study: ENIGMA.
Comment: Variant allele predicted to encode a truncated non-functional protein.

NM_007294.4(BRCA1):c.770_771insGA (p.His257fs)

Gene: BRCA1 (BRCA1 DNA repair associated; minus strand). Cytogenetic location: 17q21.31.
Variant type: Insertion.
Coding change: c.770_771insGA on transcript NM_007294.4 (MANE Select); coding-DNA positions 770 to 771, GA inserted.
Protein change: p.His257fs; shifts the reading frame from histidine 257.
Molecular consequence: frameshift variant. On other transcripts: non-coding transcript variant (1).
Genome position: GRCh38 VCF-style: chr17-43094760-A-ATC. GRCh37 (hg19) VCF-style: chr17-41246777-A-ATC.
Other names: c.770_771insGA, p.His257fs (NM_007294.3, NM_007299.4, NM_007300.4); c.643_644insAG, p.His215Glnfs (NM_001408447.1, NM_001408448.1, NM_001408450.1 and 20 more transcripts); c.556_557insAG, p.His186Glnfs (NM_001407571.1, NM_001408490.1, NM_001408491.1 and 12 more transcripts); c.769_770insAG, p.His257Glnfs (NM_001407581.1, NM_001407582.1, NM_001407583.1 and 52 more transcripts); c.634_635insAG, p.His212Glnfs (NM_001408451.1); c.628_629insAG, p.His210Glnfs (NM_001408452.1, NM_001408453.1, NM_001408454.1 and 42 more transcripts); c.766_767insAG, p.His256Glnfs (NM_001407587.1, NM_001407590.1, NM_001407591.1 and 38 more transcripts); c.625_626insAG, p.His209Glnfs (NM_001408462.1, NM_001408463.1, NM_001408464.1 and 26 more transcripts); and 16 more; short protein forms H210fs, H257fs.
Identifiers: ClinVar variation 548242 (VCV000548242.2), dbSNP rs1555593134, ClinGen allele CA658824556.
Genomic context (GRCh38, chr17:43,094,760, plus strand): 5'-ATTTGTGCCACATGGCTCCACATGCAAGTTTGAAACAGAACTACCCTGATACTTTTCTGG[A>ATC]TGCCTCTCAGCTGCACGCTTCTCAGTGGTGTTCAAATCATTATTACTGGGTTGATGATGT-3'